The following is an entry in ClinVar:

NM_172240.3(POC1B):c.1126A>C (p.Ser376Arg)

Genes: POC1B (POC1 centriolar protein B; minus strand), POC1B-DUSP6 (POC1B-DUSP6 readthrough; minus strand). Cytogenetic location: 12q21.33.
Variant type: single nucleotide variant.
Coding change: c.1126A>C on transcript NM_172240.3 (MANE Select); coding-DNA position 1126, A replaced by C.
Protein change: p.Ser376Arg; replaces serine 376 with arginine.
Molecular consequence: missense variant. On other transcripts: non-coding transcript variant (2).
Genome position (GRCh38, 1-based): chr12:89,425,367, T>G on the plus strand (A>C on the coding strand, the complement: POC1B is on the minus strand). VCF-style: chr12-89425367-T-G. GRCh37 (hg19) VCF-style: chr12-89819144-T-G.
Other names: c.1000A>C, p.Ser334Arg (NM_001199777.2); short protein forms S376R, S334R.
Identifiers: ClinVar variation 2036980 (VCV002036980.4), dbSNP rs2540365142, ClinGen allele CA385986169.

ClinVar aggregate classification (germline): Uncertain significance (1 of 4 stars; one submission).

Submission:

Labcorp Genetics (formerly Invitae), Labcorp
Classification: Uncertain significance. Last evaluated: 2022-04-12. Review status: criteria provided, single submitter. Criteria: Invitae Variant Classification Sherloc (09022015). Collection method: clinical testing. Allele origin: germline.
Comment: Algorithms developed to predict the effect of missense changes on protein structure and function (SIFT, PolyPhen-2, Align-GVGD) all suggest that this variant is likely to be tolerated. This variant has not been reported in the literature in individuals affected with POC1B-related conditions. This variant is not present in population databases (gnomAD no frequency). This sequence change replaces serine, which is neutral and polar, with arginine, which is basic and polar, at codon 376 of the POC1B protein (p.Ser376Arg). In summary, the available evidence is currently insufficient to determine the role of this variant in disease. Therefore, it has been classified as a Variant of Uncertain Significance.